The following is an entry in ClinVar:

ClinVar aggregate classification (germline): Conflicting classifications of pathogenicity. Review status: criteria provided, conflicting classifications (1 of 4 stars). 4 submissions from 4 submitters: Uncertain significance (1); Likely benign (3). Last evaluated 2026-05-01.

Allele frequency attached by ClinVar (database versions not stated): gnomAD 0.00071 and 0.00085; TOPMed 0.00078; ESP Exome Variant Server 0.00100; ExAC 0.00108; gnomAD exomes 0.00114 and 0.00145; 1000 Genomes Project 30x 0.00156; 1000 Genomes Project 0.00200.
gnomAD v4.1: 2,231 of 1,613,246 alleles (0.14%); highest among the groups gnomAD compares: South Asian, 0.34%; 14 homozygotes.

Submissions (4):

CeGaT Center for Human Genetics Tuebingen
Classification: Likely benign. Last evaluated: 2026-05-01. Review status: criteria provided, single submitter. Criteria: CeGaT Center For Human Genetics Tuebingen Variant Classification Criteria Version 2. Collection method: clinical testing. Allele origin: germline. Affected: yes. Observed: 2 variant alleles.
Comment: SVIL: BP4, BS2

Ambry Genetics
Classification: Uncertain significance. Last evaluated: 2025-11-26. Review status: criteria provided, single submitter. Criteria: Ambry Variant Classification Scheme 2023. Collection method: clinical testing. Allele origin: germline.

Labcorp Genetics (formerly Invitae), Labcorp
Classification: Likely benign. Last evaluated: 2018-07-02. Review status: criteria provided, single submitter. Criteria: Invitae Variant Classification Sherloc (09022015). Collection method: clinical testing. Allele origin: germline.

Breakthrough Genomics
Classification: Likely benign. Review status: criteria provided, single submitter. Criteria: ACMG Guidelines, 2015. Collection method: not provided. Allele origin: germline. Inheritance: Autosomal recessive inheritance. Affected: yes.

NM_021738.3(SVIL):c.5138C>T (p.Thr1713Ile)

Genes: SVIL (supervillin; minus strand), SVIL-AS1 (SVIL antisense RNA 1; plus strand). Cytogenetic location: 10p11.23.
Variant type: single nucleotide variant.
Coding change: c.5138C>T on transcript NM_021738.3 (MANE Select); coding-DNA position 5138, C replaced by T.
Protein change: p.Thr1713Ile; replaces threonine 1713 with isoleucine.
Molecular consequence: missense variant.
Genome position (GRCh38, 1-based): chr10:29,480,776, G>A on the plus strand (C>T on the coding strand, the complement: SVIL is on the minus strand). VCF-style: chr10-29480776-G-A. GRCh37 (hg19) VCF-style: chr10-29769705-G-A.
Other names: c.4208C>T, p.Thr1403Ile (NM_001323599.2); c.3956C>T, p.Thr1319Ile (NM_001323600.1); c.3860C>T, p.Thr1287Ile (NM_003174.3); c.5138C>T (NM_021738.2); short protein forms T1713I, T1319I, T1403I, T1287I.
Identifiers: ClinVar variation 710443 (VCV000710443.11), dbSNP rs143178190, ClinGen allele CA5456285.